The following is an entry in ClinVar:

ClinVar aggregate classification (germline): Benign. Review status: criteria provided, multiple submitters, no conflicts (2 of 4 stars). 2 submissions from 2 submitters: Benign (2). Last evaluated 2018-01-13.

Conditions:
3-Oxo-5 alpha-steroid delta 4-dehydrogenase deficiency (PPSH). Also called: PSEUDOVAGINAL PERINEOSCROTAL HYPOSPADIAS; FAMILIAL INCOMPLETE MALE PSEUDOHERMAPHRODITISM, TYPE 2; MALE PSEUDOHERMAPHRODITISM DUE TO 5-ALPHA-REDUCTASE DEFICIENCY; 46,XY disorder of sex development due to 5-alpha-reductase 2 deficiency. Identifiers: Orphanet 753, MedGen C0268297, MONDO:0009923, OMIM 264600. Disease mechanism: loss of function.

Allele frequency attached by ClinVar (database versions not stated): 1000 Genomes Project 0.03395; 1000 Genomes Project 30x 0.03482; gnomAD exomes 0.04106; gnomAD 0.04351 and 0.04363; TOPMed 0.04942.
gnomAD v4.1: 9,505 of 220,364 alleles (4.3%); highest among the groups gnomAD compares: Admixed American, 13%; 354 homozygotes.

Submissions (2):

Illumina Laboratory Services, Illumina
Classification: Benign for 3-Oxo-5 alpha-steroid delta 4-dehydrogenase deficiency. Last evaluated: 2018-01-13. Review status: criteria provided, single submitter. Criteria: ICSL Variant Classification Criteria 13 December 2019. Collection method: clinical testing. Allele origin: germline.
Comment: This variant was observed in the ICSL laboratory as part of a predisposition screen in an ostensibly healthy population. It had not been previously curated by ICSL or reported in the Human Gene Mutation Database (HGMD: prior to June 1st, 2018), and was therefore a candidate for classification through an automated scoring system. Utilizing variant allele frequency, disease prevalence and penetrance estimates, and inheritance mode, an automated score was calculated to assess if this variant is too frequent to cause the disease. Based on the score and internal cut-off values, a variant classified as benign is not then subjected to further curation. The score for this variant resulted in a classification of benign for this disease.

Breakthrough Genomics
Classification: Benign. Review status: criteria provided, single submitter. Criteria: ACMG Guidelines, 2015. Collection method: not provided. Allele origin: germline. Inheritance: Autosomal recessive inheritance. Affected: yes.

NM_000348.4(SRD5A2):c.*1056G>C

Gene: SRD5A2 (steroid 5 alpha-reductase 2; minus strand). Cytogenetic location: 2p23.1.
Variant type: single nucleotide variant.
Coding change: c.*1056G>C on transcript NM_000348.4 (MANE Select); 1056 bases downstream of the stop codon, G replaced by C.
Molecular consequence: 3 prime UTR variant.
Genome position (GRCh38, 1-based): chr2:31,525,140, C>G on the plus strand (G>C on the coding strand, the complement: SRD5A2 is on the minus strand). VCF-style: chr2-31525140-C-G. GRCh37 (hg19) VCF-style: chr2-31750210-C-G.
Identifiers: ClinVar variation 335807 (VCV000335807.6), dbSNP rs28383085, ClinGen allele CA10613201.